The following is an entry in ClinVar:

ClinVar aggregate classification (germline): Uncertain significance (1 of 4 stars; one submission).

Submission:

GeneDx
Classification: Uncertain significance. Last evaluated: 2026-04-26. Review status: criteria provided, single submitter. Criteria: GeneDx Variant Classification Process June 2021. Collection method: clinical testing. Allele origin: germline.
Comment: Not observed at significant frequency in large population cohorts (gnomAD); In silico analysis supports that this missense variant has a deleterious effect on protein structure/function; Has not been previously published as pathogenic or benign to our knowledge

NM_004595.5(SMS):c.389G>A (p.Arg130His)

Gene: SMS (spermine synthase; plus strand). Cytogenetic location: Xp22.11.
Variant type: single nucleotide variant.
Coding change: c.389G>A on transcript NM_004595.5 (MANE Select); coding-DNA position 389, G replaced by A.
Protein change: p.Arg130His; replaces arginine 130 with histidine.
Molecular consequence: missense variant.
Genome position (GRCh38, 1-based): chrX:21,977,120, G>A. VCF-style: chrX-21977120-G-A. GRCh37 (hg19) VCF-style: chrX-21995238-G-A.
Other names: c.230G>A, p.Arg77His (NM_001258423.2); short protein forms R130H, R77H.
Identifiers: ClinVar variation 4531062 (VCV004531062.2).